The following is an entry in ClinVar:

NM_012330.4(KAT6B):c.292T>A (p.Ser98Thr)

Gene: KAT6B (lysine acetyltransferase 6B; plus strand). Cytogenetic location: 10q22.2.
Variant type: single nucleotide variant.
Coding change: c.292T>A on transcript NM_012330.4 (MANE Select); coding-DNA position 292, T replaced by A.
Protein change: p.Ser98Thr; replaces serine 98 with threonine.
Molecular consequence: missense variant. On other transcripts: 5 prime UTR variant (2).
Genome position (GRCh38, 1-based): chr10:74,843,149, T>A. VCF-style: chr10-74843149-T-A. GRCh37 (hg19) VCF-style: chr10-76602907-T-A.
Other names: c.292T>A (NM_012330.3); c.292T>A, p.Ser98Thr (NM_001256468.2, NM_001256469.2, NM_001370132.1 and 10 more transcripts); c.-247T>A (NM_001370134.1, NM_001370135.1); short protein forms S98T.
Identifiers: ClinVar variation 2818424 (VCV002818424.4), dbSNP rs2548334463, ClinGen allele CA377399715.

ClinVar aggregate classification (germline): Uncertain significance. Review status: criteria provided, multiple submitters, no conflicts (2 of 4 stars). 2 submissions from 2 submitters: Uncertain significance (2). Last evaluated 2024-06-25.

Conditions:
Genitopatellar syndrome (GTPTS). Also called: Genitopatellar syndrome (GPS); ABSENT PATELLAE, SCROTAL HYPOPLASIA, RENAL ANOMALIES, FACIAL DYSMORPHISM, AND MENTAL RETARDATION. Identifiers: Orphanet 85201, MedGen C1853566, MONDO:0011640, OMIM 606170.

Submissions (2):

GeneDx
Classification: Uncertain significance. Last evaluated: 2024-06-25. Review status: criteria provided, single submitter. Criteria: GeneDx Variant Classification Process June 2021. Collection method: clinical testing. Allele origin: germline. Affected: yes.
Comment: Not observed at significant frequency in large population cohorts (gnomAD); In silico analysis indicates that this missense variant does not alter protein structure/function; Has not been previously published as pathogenic or benign to our knowledge

Labcorp Genetics (formerly Invitae), Labcorp
Classification: Uncertain significance for Genitopatellar syndrome. Last evaluated: 2022-12-04. Review status: criteria provided, single submitter. Criteria: Invitae Variant Classification Sherloc (09022015). Collection method: clinical testing. Allele origin: germline.
Comment: In summary, the available evidence is currently insufficient to determine the role of this variant in disease. Therefore, it has been classified as a Variant of Uncertain Significance. Advanced modeling of protein sequence and biophysical properties (such as structural, functional, and spatial information, amino acid conservation, physicochemical variation, residue mobility, and thermodynamic stability) performed at Invitae indicates that this missense variant is not expected to disrupt KAT6B protein function. This variant has not been reported in the literature in individuals affected with KAT6B-related conditions. This variant is not present in population databases (gnomAD no frequency). This sequence change replaces serine, which is neutral and polar, with threonine, which is neutral and polar, at codon 98 of the KAT6B protein (p.Ser98Thr).